The following is an entry in ClinVar:

NM_000900.5(MGP):c.*343G>A

Genes: MGP (matrix Gla protein; minus strand), LOC126861465 (CDK7 strongly-dependent group 2 enhancer GRCh37_chr12:15033676-15034875; plus strand). Cytogenetic location: 12p12.3.
Variant type: single nucleotide variant.
Coding change: c.*343G>A on transcript NM_000900.5 (MANE Select); 343 bases downstream of the stop codon, G replaced by A.
Molecular consequence: 3 prime UTR variant.
Genome position (GRCh38, 1-based): chr12:14,881,796, C>T on the plus strand (G>A on the coding strand, the complement: MGP is on the minus strand). VCF-style: chr12-14881796-C-T. GRCh37 (hg19) VCF-style: chr12-15034730-C-T.
Other names: c.*343G>A (NM_001190839.3).
Identifiers: ClinVar variation 307763 (VCV000307763.6), dbSNP rs35112962, ClinGen allele CA10641423.

ClinVar aggregate classification (germline): Benign. Review status: criteria provided, multiple submitters, no conflicts (2 of 4 stars). 2 submissions from 2 submitters: Benign (2). Last evaluated 2018-01-12.

Conditions:
Keutel syndrome (KTLS). Identifiers: Orphanet 85202, MedGen C1855607, MONDO:0009495, OMIM 245150.

Allele frequency attached by ClinVar (database versions not stated): gnomAD exomes 0.00129; gnomAD 0.01297 and 0.01395; TOPMed 0.01462; 1000 Genomes Project 0.01538; 1000 Genomes Project 30x 0.01608.
gnomAD v4.1: 2,102 of 264,692 alleles (0.79%); highest among the groups gnomAD compares: African/African-American, 4.4%; 46 homozygotes.

Submissions (2):

Illumina Laboratory Services, Illumina
Classification: Benign for Keutel syndrome. Last evaluated: 2018-01-12. Review status: criteria provided, single submitter. Criteria: ICSL Variant Classification Criteria 13 December 2019. Collection method: clinical testing. Allele origin: germline.
Comment: This variant was observed in the ICSL laboratory as part of a predisposition screen in an ostensibly healthy population. It had not been previously curated by ICSL or reported in the Human Gene Mutation Database (HGMD: prior to June 1st, 2018), and was therefore a candidate for classification through an automated scoring system. Utilizing variant allele frequency, disease prevalence and penetrance estimates, and inheritance mode, an automated score was calculated to assess if this variant is too frequent to cause the disease. Based on the score and internal cut-off values, a variant classified as benign is not then subjected to further curation. The score for this variant resulted in a classification of benign for this disease.

Breakthrough Genomics
Classification: Benign. Review status: criteria provided, single submitter. Criteria: ACMG Guidelines, 2015. Collection method: not provided. Allele origin: germline. Inheritance: Autosomal recessive inheritance. Affected: yes.